The following is an entry in ClinVar:

NM_001110556.2(FLNA):c.3208-343G>A

Gene: FLNA (filamin A; minus strand). Cytogenetic location: Xq28.
Variant type: single nucleotide variant.
Coding change: c.3208-343G>A on transcript NM_001110556.2 (MANE Select); 343 bases into the intron before coding-DNA position 3208, G replaced by A.
Molecular consequence: intron variant.
Genome position (GRCh38, 1-based): chrX:154,360,930, C>T on the plus strand (G>A on the coding strand, the complement: FLNA is on the minus strand). VCF-style: chrX-154360930-C-T. GRCh37 (hg19) VCF-style: chrX-153589298-C-T.
Other names: c.3208-343G>A (NM_001456.4).
Identifiers: ClinVar variation 680589 (VCV000680589.1), dbSNP rs148410420, ClinGen allele CA337280955.
Genomic context (GRCh38, chrX:154,360,930, plus strand): 5'-AATCTCGTCTCTACTAAAATTACCAAAATTAGCTGGGCATGGTGGCGGGCACCTGTAATC[C>T]CAGCTACTTGGGAGGCTGAGGCAGGAGTATTGCTTGAAGCCAGGAGGCGGAGGGTGCCGT-3'

ClinVar aggregate classification (germline): Benign (1 of 4 stars; one submission).

Allele frequency attached by ClinVar (database versions not stated): gnomAD 0.19334 and 0.20232; TOPMed 0.20529; 1000 Genomes Project 0.27020; 1000 Genomes Project 30x 0.27575.
gnomAD v4.1: 21,079 of 104,705 alleles (20%); highest among the groups gnomAD compares: South Asian, 54%; 1,783 homozygotes.

Submission:

GeneDx
Classification: Benign. Last evaluated: 2018-06-14. Review status: criteria provided, single submitter. Criteria: GeneDx Variant Classification (06012015). Collection method: clinical testing. Allele origin: germline. Affected: yes.
Comment: This variant is considered likely benign or benign based on one or more of the following criteria: it is a conservative change, it occurs at a poorly conserved position in the protein, it is predicted to be benign by multiple in silico algorithms, and/or has population frequency not consistent with disease.